The following is an entry in ClinVar:

ClinVar aggregate classification (germline): Pathogenic (1 of 4 stars; one submission).

Conditions:
Hereditary cancer-predisposing syndrome. Also called: Neoplastic Syndromes, Hereditary; Tumor predisposition; Hereditary Cancer Syndrome; Hereditary neoplastic syndrome. Identifiers: Orphanet 140162, MedGen C0027672, MeSH D009386, MONDO:0015356.

Submission:

Ambry Genetics
Classification: Pathogenic for Hereditary cancer-predisposing syndrome. Last evaluated: 2025-12-03. Review status: criteria provided, single submitter. Criteria: Ambry Variant Classification Scheme 2023. Collection method: clinical testing. Allele origin: germline.
Comment: The c.4089dupT variant, located in coding exon 26 of the ATM gene, results from a duplication of T at nucleotide position 4089, causing a translational frameshift with a predicted alternate stop codon (p.D1364*). This variant is considered to be rare based on population cohorts in the Genome Aggregation Database (gnomAD). This alteration is expected to result in loss of function by premature protein truncation or nonsense-mediated mRNA decay. As such, this alteration is interpreted as a disease-causing mutation.

NM_000051.4(ATM):c.4089dup (p.Asp1364Ter)

Gene: ATM (ATM serine/threonine kinase; plus strand). Cytogenetic location: 11q22.3.
Variant type: Duplication.
Coding change: c.4089dup on transcript NM_000051.4 (MANE Select); coding-DNA position 4089, one base duplicated (T; older notation c.4089dupT).
Protein change: p.Asp1364Ter; replaces aspartic acid 1364 with a stop codon.
Molecular consequence: nonsense. On other transcripts: frameshift variant (1).
Genome position (GRCh38, 1-based): chr11:108,287,695, T duplicated. VCF-style (leftmost placement, unchanged base first): chr11-108287694-C-CT. GRCh37 (hg19) VCF-style: chr11-108158421-C-CT.
Other names: c.4089dup, p.Asp1364Ter (NM_001351834.2); c.4089dupT (NM_000051.3); short protein forms D1364*.
Identifiers: ClinVar variation 4618475 (VCV004618475.1).